The following is an entry in ClinVar:

ClinVar aggregate classification (germline): Uncertain significance (1 of 4 stars; one submission).

Conditions:
Hereditary cancer-predisposing syndrome. Also called: Neoplastic Syndromes, Hereditary; Hereditary Cancer Syndrome; Tumor predisposition; Hereditary neoplastic syndrome. Identifiers: Orphanet 140162, MedGen C0027672, MeSH D009386, MONDO:0015356.

gnomAD v4.1: 1 of 1,612,822 alleles (0.000062%); highest among the groups gnomAD compares: South Asian, 0.0011%; no homozygotes.

Submission:

Ambry Genetics
Classification: Uncertain significance for Hereditary cancer-predisposing syndrome. Last evaluated: 2025-01-22. Review status: criteria provided, single submitter. Criteria: Ambry Variant Classification Scheme 2023. Collection method: clinical testing. Allele origin: germline.
Comment: The p.P24L variant (also known as c.71C>T), located in coding exon 1 of the SMARCA4 gene, results from a C to T substitution at nucleotide position 71. The proline at codon 24 is replaced by leucine, an amino acid with similar properties. This amino acid position is highly conserved in available vertebrate species. In addition, the in silico prediction for this alteration is inconclusive. Based on the available evidence, the clinical significance of this variant remains unclear.

NM_003072.5(SMARCA4):c.71C>T (p.Pro24Leu)

Gene: SMARCA4 (SWI/SNF related BAF chromatin remodeling complex subunit ATPase 4; plus strand). Cytogenetic location: 19p13.2.
Variant type: single nucleotide variant.
Coding change: c.71C>T on transcript NM_003072.5 (MANE Select); coding-DNA position 71, C replaced by T.
Protein change: p.Pro24Leu; replaces proline 24 with leucine.
Molecular consequence: missense variant. On other transcripts: non-coding transcript variant (1).
Genome position (GRCh38, 1-based): chr19:10,984,222, C>T. VCF-style: chr19-10984222-C-T. GRCh37 (hg19) VCF-style: chr19-11094898-C-T.
Other names: c.71C>T, p.Pro24Leu (NM_001128844.3, NM_001128845.2, NM_001128846.2 and 6 more transcripts); short protein forms P24L.
Identifiers: ClinVar variation 3798897 (VCV003798897.1).